The following is an entry in ClinVar:

ClinVar aggregate classification (germline): Likely pathogenic (1 of 4 stars; one submission).

Conditions:
Fanconi anemia (FA). Also called: Fanconi's anemia. Identifiers: Orphanet 84, MedGen C0015625, MeSH D005199, MONDO:0019391.

gnomAD v4.1: 4 of 1,612,622 alleles (0.00025%); highest among the groups gnomAD compares: Non-Finnish European, 0.00034%; no homozygotes.

Submission:

Labcorp Genetics (formerly Invitae), Labcorp
Classification: Likely pathogenic for Fanconi anemia. Last evaluated: 2023-07-19. Review status: criteria provided, single submitter. Criteria: Invitae Variant Classification Sherloc (09022015). Collection method: clinical testing. Allele origin: germline.
Comment: This sequence change affects an acceptor splice site in intron 2 of the FANCI gene. It is expected to disrupt RNA splicing. Variants that disrupt the donor or acceptor splice site typically lead to a loss of protein function (PMID: 16199547), and loss-of-function variants in FANCI are known to be pathogenic (PMID: 17452773, 17460694). This variant is not present in population databases (gnomAD no frequency). This variant has not been reported in the literature in individuals affected with FANCI-related conditions. Algorithms developed to predict the effect of sequence changes on RNA splicing suggest that this variant may disrupt the consensus splice site. In summary, the currently available evidence indicates that the variant is pathogenic, but additional data are needed to prove that conclusively. Therefore, this variant has been classified as Likely Pathogenic.

Literature cited by the submitters: PubMed 16199547; PubMed 17452773; PubMed 17460694.

NM_001113378.2(FANCI):c.85-1G>A

Gene: FANCI (FA complementation group I; plus strand). Cytogenetic location: 15q26.1.
Variant type: single nucleotide variant.
Coding change: c.85-1G>A on transcript NM_001113378.2 (MANE Select); the canonical splice acceptor site of the intron before coding-DNA position 85, G replaced by A.
Molecular consequence: splice acceptor variant.
Genome position (GRCh38, 1-based): chr15:89,258,703, G>A. VCF-style: chr15-89258703-G-A. GRCh37 (hg19) VCF-style: chr15-89801934-G-A.
Other names: c.85-1G>A (NM_018193.3, NM_001376911.1); c.-195-1G>A (NM_001376910.1).
Identifiers: ClinVar variation 2725983 (VCV002725983.3), dbSNP rs1195350202, ClinGen allele CA393737304.
Genomic context (GRCh38, chr15:89,258,703, plus strand): 5'-GTTTAGGTCATTGGGGTAAAAGACTGTTGCCAGAGACTTGTACCTTTTTCTTTCTTTGCA[G>A]TTGACTAATCTCCTTCAGAATCAAGCAGTGAAAGGAAAAGTTGCTGGAGCACTCCTGAGA-3'